The following is an entry in ClinVar:

ClinVar aggregate classification (germline): Uncertain significance (1 of 4 stars; one submission).

Conditions:
Familial cancer of breast. Also called: hereditary breast carcinoma; BREAST CANCER, FAMILIAL; Hereditary breast cancer. Identifiers: Orphanet 227535, MedGen C0346153, MONDO:0016419, OMIM 114480. Disease mechanism: loss of function.

Allele frequency attached by ClinVar (database versions not stated): gnomAD exomes below 0.00001.
gnomAD v4.1: 1 of 1,614,214 alleles (0.000062%); highest among the groups gnomAD compares: Non-Finnish European, 0.000085%; no homozygotes.

Submission:

Labcorp Genetics (formerly Invitae), Labcorp
Classification: Uncertain significance for Familial cancer of breast. Last evaluated: 2022-12-20. Review status: criteria provided, single submitter. Criteria: Invitae Variant Classification Sherloc (09022015). Collection method: clinical testing. Allele origin: germline.
Comment: In summary, the available evidence is currently insufficient to determine the role of this variant in disease. Therefore, it has been classified as a Variant of Uncertain Significance. Advanced modeling of protein sequence and biophysical properties (such as structural, functional, and spatial information, amino acid conservation, physicochemical variation, residue mobility, and thermodynamic stability) performed at Invitae indicates that this missense variant is not expected to disrupt PALB2 protein function. This variant has not been reported in the literature in individuals affected with PALB2-related conditions. This variant is not present in population databases (gnomAD no frequency). This sequence change replaces leucine, which is neutral and non-polar, with proline, which is neutral and non-polar, at codon 453 of the PALB2 protein (p.Leu453Pro).

NM_024675.4(PALB2):c.1358T>C (p.Leu453Pro)

Gene: PALB2 (partner and localizer of BRCA2; minus strand). Cytogenetic location: 16p12.2.
Variant type: single nucleotide variant.
Coding change: c.1358T>C on transcript NM_024675.4 (MANE Select); coding-DNA position 1358, T replaced by C.
Protein change: p.Leu453Pro; replaces leucine 453 with proline.
Molecular consequence: missense variant.
Genome position (GRCh38, 1-based): chr16:23,635,188, A>G on the plus strand (T>C on the coding strand, the complement: PALB2 is on the minus strand). VCF-style: chr16-23635188-A-G. GRCh37 (hg19) VCF-style: chr16-23646509-A-G.
Other names: c.1298T>C, p.Leu433Pro (NM_001407296.1); c.1358T>C, p.Leu453Pro (NM_001407297.1, NM_001407298.1, NM_001407299.1 and 3 more transcripts); c.473T>C, p.Leu158Pro (NM_001407304.1, NM_001407305.1, NM_001407306.1 and 5 more transcripts); short protein forms L453P, L158P, L433P.
Identifiers: ClinVar variation 2124478 (VCV002124478.4), dbSNP rs2142418402, ClinGen allele CA395131495.